The following is an entry in ClinVar:

NM_001206927.2(DNAH8):c.11698C>T (p.Pro3900Ser)

Genes: DNAH8 (dynein axonemal heavy chain 8; plus strand), DNAH8-AS1 (DNAH8 antisense RNA 1; minus strand). Cytogenetic location: 6p21.2.
Variant type: single nucleotide variant.
Coding change: c.11698C>T on transcript NM_001206927.2 (MANE Select); coding-DNA position 11698, C replaced by T.
Protein change: p.Pro3900Ser; replaces proline 3900 with serine.
Molecular consequence: missense variant.
Genome position (GRCh38, 1-based): chr6:38,938,108, C>T. VCF-style: chr6-38938108-C-T. GRCh37 (hg19) VCF-style: chr6-38905884-C-T.
Other names: c.11047C>T, p.Pro3683Ser (NM_001371.4); short protein forms P3900S, P3683S.
Identifiers: ClinVar variation 1516451 (VCV001516451.7), dbSNP rs2150592662, ClinGen allele CA364020928.
Genomic context (GRCh38, chr6:38,938,108, plus strand): 5'-AAGTTGCATGTGGCTGCAGAAACTGAGATCAAGATCAACGCGGCTCAGGAGGAGTTCCGG[C>T]CCGCAGCCACCCGCGGAAGCATCCTCTACTTCCTCATCACAGAGATGAGCATGGTCAACA-3'
Protein context (NP_001193856.1, residues 3890-3910): KINAAQEEFR[Pro3900Ser]AATRGSILYF

ClinVar aggregate classification (germline): Uncertain significance (1 of 4 stars; one submission).

Conditions:
Primary ciliary dyskinesia. Also called: Ciliary dyskinesia. Identifiers: Orphanet 244, MedGen C0008780, MONDO:0016575, HP:0012265.

Submission:

Labcorp Genetics (formerly Invitae), Labcorp
Classification: Uncertain significance for Primary ciliary dyskinesia. Last evaluated: 2021-03-13. Review status: criteria provided, single submitter. Criteria: Invitae Variant Classification Sherloc (09022015). Collection method: clinical testing. Allele origin: germline.
Comment: Algorithms developed to predict the effect of sequence changes on RNA splicing suggest that this variant may create or strengthen a splice site, but this prediction has not been confirmed by published transcriptional studies. This sequence change replaces proline with serine at codon 3900 of the DNAH8 protein (p.Pro3900Ser). The proline residue is highly conserved and there is a moderate physicochemical difference between proline and serine. This variant is not present in population databases (ExAC no frequency). This variant has not been reported in the literature in individuals with DNAH8-related conditions. Algorithms developed to predict the effect of missense changes on protein structure and function are either unavailable or do not agree on the potential impact of this missense change (SIFT: "Tolerated"; PolyPhen-2: "Not Available"; Align-GVGD: "Class C15"). In summary, the available evidence is currently insufficient to determine the role of this variant in disease. Therefore, it has been classified as a Variant of Uncertain Significance.